The following is an entry in ClinVar:

ClinVar aggregate classification (germline): Uncertain significance (1 of 4 stars; one submission).

Conditions:
Hereditary cancer-predisposing syndrome. Also called: Neoplastic Syndromes, Hereditary; Tumor predisposition; Hereditary Cancer Syndrome; Hereditary neoplastic syndrome. Identifiers: Orphanet 140162, MedGen C0027672, MeSH D009386, MONDO:0015356.

Submission:

Ambry Genetics
Classification: Uncertain significance for Hereditary cancer-predisposing syndrome. Last evaluated: 2021-05-07. Review status: criteria provided, single submitter. Criteria: Ambry Variant Classification Scheme 2023. Collection method: clinical testing. Allele origin: germline.
Comment: The c.2919G>A variant (also known as p.E973E), located in coding exon 25 of the TSC2 gene. This variant results from a G to A substitution at nucleotide position 2919. This nucleotide substitution does not change the glutamic acid at codon 973. This nucleotide position is poorly conserved in available vertebrate species. In silico splice site analysis for this alteration is inconclusive. Since supporting evidence is limited at this time, the clinical significance of this alteration remains unclear.

NM_000548.5(TSC2):c.2919G>A (p.Glu973=)

Gene: TSC2 (TSC complex subunit 2; plus strand). Cytogenetic location: 16p13.3.
Variant type: single nucleotide variant.
Coding change: c.2919G>A on transcript NM_000548.5 (MANE Select); coding-DNA position 2919, G replaced by A.
Protein change: p.Glu973=; no amino-acid change (glutamic acid 973 retained).
Molecular consequence: synonymous variant. On other transcripts: intron variant (31).
Genome position (GRCh38, 1-based): chr16:2,077,679, G>A. VCF-style: chr16-2077679-G-A. GRCh37 (hg19) VCF-style: chr16-2127680-G-A.
Other names: c.2919G>A, p.Glu973= (NM_001114382.3, NM_001406663.1, NM_001406664.1); c.2808G>A, p.Glu936= (NM_001406670.1); c.2772G>A, p.Glu924= (NM_001406675.1, NM_001406676.1); c.2319G>A, p.Glu773= (NM_001406680.1, NM_001406682.1, NM_001406683.1 and 1 more transcripts); c.1575G>A, p.Glu525= (NM_001406689.1); c.1493+1094G>A (NM_001406693.1, NM_001406690.1, NM_001406692.1 and 5 more transcripts); c.2927+1094G>A (NM_001406667.1, NM_001406668.1); c.2237+1094G>A (NM_001406687.1, NM_001406685.1, NM_001318831.2 and 2 more transcripts); and 8 more.
Identifiers: ClinVar variation 1797657 (VCV001797657.2), dbSNP rs2543976914, ClinGen allele CA492954944.
Genomic context (GRCh38, chr16:2,077,679, plus strand): 5'-CAAACAAGGCTTGAATAACTCTCCACCCGTGAAAGAATTCAAGGAGAGCTCTGCAGCCGA[G>A]GCCTTCCGGTGCCGCAGCATCAGTGTGTCTGAACATGTGGTCCGCAGGTAGCGGGACTGT-3'
Protein context (NP_000539.2, residues 963-983): VKEFKESSAA[Glu973=]AFRCRSISVS